The following is an entry in ClinVar:

NM_000320.3(QDPR):c.233A>G (p.Glu78Gly)

Gene: QDPR (quinoid dihydropteridine reductase; minus strand). Cytogenetic location: 4p15.32.
Variant type: single nucleotide variant.
Coding change: c.233A>G on transcript NM_000320.3 (MANE Select); coding-DNA position 233, A replaced by G.
Protein change: p.Glu78Gly; replaces glutamic acid 78 with glycine.
Molecular consequence: missense variant. On other transcripts: non-coding transcript variant (1).
Genome position (GRCh38, 1-based): chr4:17,504,441, T>C on the plus strand (A>G on the coding strand, the complement: QDPR is on the minus strand). VCF-style: chr4-17504441-T-C. GRCh37 (hg19) VCF-style: chr4-17506064-T-C.
Other names: c.140A>G, p.Glu47Gly (NM_001306140.2); short protein forms E47G, E78G.
Identifiers: ClinVar variation 3902322 (VCV003902322.1).

ClinVar aggregate classification (germline): Uncertain significance (1 of 4 stars; one submission).

Submission:

Women's Health and Genetics/Laboratory Corporation of America, LabCorp
Classification: Uncertain significance. Last evaluated: 2025-05-12. Review status: criteria provided, single submitter. Criteria: LabCorp Variant Classification Summary - May 2015. Collection method: clinical testing. Allele origin: germline.
Comment: Variant summary: QDPR c.233A>G (p.Glu78Gly) results in a non-conservative amino acid change in the encoded protein sequence. Algorithms developed to predict the effect of missense changes on protein structure and function are either unavailable or do not agree on the potential impact of this missense change. The variant was absent in 251474 control chromosomes. The available data on variant occurrences in the general population are insufficient to allow any conclusion about variant significance. To our knowledge, no occurrence of c.233A>G in individuals affected with Dihydropteridine Reductase Deficiency and no experimental evidence demonstrating its impact on protein function have been reported. No submitters have cited clinical-significance assessments for this variant to ClinVar. Based on the evidence outlined above, the variant was classified as uncertain significance.